The following is an entry in ClinVar:

NC_000009.12:g.35657971A>T

Gene: RMRP (RNA component of mitochondrial RNA processing endoribonuclease; minus strand). Cytogenetic location: 9p13.3.
Variant type: single nucleotide variant.
Genome position: GRCh38 VCF-style: chr9-35657971-A-T. GRCh37 (hg19) VCF-style: chr9-35657968-A-T.
Identifiers: ClinVar variation 2159376 (VCV002159376.3), dbSNP rs1012176091, ClinGen allele CA192745680.
Genomic context (GRCh38, chr9:35,657,971, plus strand): 5'-ATGCACGTGGCACTCTCTGCCCGAGGTCCGGGGACTTTCCCCTAGGCGGAAAGGGGAGGA[A>T]CAGAGTCCTCAGTGTGTAGCCTAGGATACAGGCCTTCAGCACGAACCACGTCCTCAGCTT-3'

ClinVar aggregate classification (germline): Uncertain significance (1 of 4 stars; one submission).

Conditions:
Anauxetic dysplasia. Identifiers: Orphanet 93347, MedGen C1846796, MONDO:0011773.

Submission:

Labcorp Genetics (formerly Invitae), Labcorp
Classification: Uncertain significance for Anauxetic dysplasia. Last evaluated: 2025-05-04. Review status: criteria provided, single submitter. Criteria: Invitae Variant Classification Sherloc (09022015). Collection method: clinical testing. Allele origin: germline.
Comment: This variant occurs in the RMRP gene, which encodes an RNA molecule that does not result in a protein product. This variant is not present in population databases (gnomAD no frequency). This variant has not been reported in the literature in individuals affected with RMRP-related conditions. ClinVar contains an entry for this variant (Variation ID: 2159376). Experimental studies and prediction algorithms are not available or were not evaluated, and the functional significance of this variant is currently unknown. In summary, the available evidence is currently insufficient to determine the role of this variant in disease. Therefore, it has been classified as a Variant of Uncertain Significance.